The following is an entry in ClinVar:

ClinVar aggregate classification (germline): Likely pathogenic (1 of 4 stars; one submission).

Conditions:
Multiple endocrine neoplasia, type 1 (MEN1). Also called: MEA I; MEN I; WERMER SYNDROME; Endocrine adenomatosis multiple; MEN 1. Identifiers: Orphanet 652, MedGen C0025267, MeSH D018761, MONDO:0007540, OMIM 131100.

gnomAD v4.1: 1 of 1,586,090 alleles (0.000063%); highest among the groups gnomAD compares: Non-Finnish European, 0.000086%; no homozygotes.

Submission:

Labcorp Genetics (formerly Invitae), Labcorp
Classification: Likely pathogenic for Multiple endocrine neoplasia, type 1. Last evaluated: 2024-11-24. Review status: criteria provided, single submitter. Criteria: Invitae Variant Classification Sherloc (09022015). Collection method: clinical testing. Allele origin: germline.
Comment: This sequence change replaces arginine, which is basic and polar, with glycine, which is neutral and non-polar, at codon 52 of the MEN1 protein (p.Arg52Gly). This variant is not present in population databases (gnomAD no frequency). This missense change has been observed in individuals with clinical features of MEN1-related conditions (PMID: 21454242; internal data). ClinVar contains an entry for this variant (Variation ID: 1037243). Invitae Evidence Modeling of protein sequence and biophysical properties (such as structural, functional, and spatial information, amino acid conservation, physicochemical variation, residue mobility, and thermodynamic stability) indicates that this missense variant is expected to disrupt MEN1 protein function with a positive predictive value of 95%. Experimental studies have shown that this missense change affects MEN1 function (PMID: 35941657). In summary, the currently available evidence indicates that the variant is pathogenic, but additional data are needed to prove that conclusively. Therefore, this variant has been classified as Likely Pathogenic.

Literature cited by the submitters: PubMed 21454242; PubMed 35941657.

NM_001370259.2(MEN1):c.154C>G (p.Arg52Gly)

Gene: MEN1 (menin 1; minus strand). Cytogenetic location: 11q13.1.
Variant type: single nucleotide variant.
Coding change: c.154C>G on transcript NM_001370259.2 (MANE Select); coding-DNA position 154, C replaced by G.
Protein change: p.Arg52Gly; replaces arginine 52 with glycine.
Molecular consequence: missense variant.
Genome position (GRCh38, 1-based): chr11:64,809,956, G>C on the plus strand (C>G on the coding strand, the complement: MEN1 is on the minus strand). VCF-style: chr11-64809956-G-C. GRCh37 (hg19) VCF-style: chr11-64577428-G-C.
Other names: c.154C>G, p.Arg52Gly (NM_000244.4, NM_001370251.2, NM_001370260.2 and 9 more transcripts); short protein forms R52G.
Identifiers: ClinVar variation 1037243 (VCV001037243.6), dbSNP rs1555166664, ClinGen allele CA381187772.
Genomic context (GRCh38, chr11:64,809,956, plus strand): 5'-GCGGGTCGGGGGCGGGGCTGGGCTGGAAGGTGAGCTCGGGAACGTTGGTAGGGATGACGC[G>C]GTTGACAGCCAGAAAATGCTCCACGAAGCCCAGCACCAAGGAAAGGAGCACCAGGTCCGG-3'
Protein context (NP_001357188.2, residues 42-62): GFVEHFLAVN[Arg52Gly]VIPTNVPELT